The following is an entry in ClinVar:

ClinVar aggregate classification (germline): Uncertain significance. Review status: criteria provided, multiple submitters, no conflicts (2 of 4 stars). 2 submissions from 2 submitters: Uncertain significance (2). Last evaluated 2026-03-26.

Allele frequency attached by ClinVar (database versions not stated): gnomAD exomes below 0.00001 and 0.00001; gnomAD 0.00002; TOPMed 0.00003.
gnomAD v4.1: 7 of 1,613,986 alleles (0.00043%); highest among the groups gnomAD compares: Non-Finnish European, 0.00059%; no homozygotes.

Submissions (2):

Women's Health and Genetics/Laboratory Corporation of America, LabCorp
Classification: Uncertain significance. Last evaluated: 2026-03-26. Review status: criteria provided, single submitter. Criteria: LabCorp Variant Classification Summary - May 2015. Collection method: clinical testing. Allele origin: germline.
Comment: Variant summary: AEBP1 c.3360G>C (p.Gln1120His) results in a non-conservative amino acid change in the encoded protein sequence. Algorithms developed to predict the effect of missense changes on protein structure and function are either unavailable or do not agree on the potential impact of this missense change. The variant allele was found at a frequency of 4e-06 in 251190 control chromosomes. The available data on variant occurrences in the general population are insufficient to allow any conclusion about variant significance. To our knowledge, no occurrence of c.3360G>C in individuals affected with AEBP1-related conditions and no experimental evidence demonstrating its impact on protein function have been reported. ClinVar contains an entry for this variant (Variation ID: 1362357). Based on the evidence outlined above, the variant was classified as uncertain significance.

Labcorp Genetics (formerly Invitae), Labcorp
Classification: Uncertain significance. Last evaluated: 2022-07-23. Review status: criteria provided, single submitter. Criteria: Invitae Variant Classification Sherloc (09022015). Collection method: clinical testing. Allele origin: germline.
Comment: In summary, the available evidence is currently insufficient to determine the role of this variant in disease. Therefore, it has been classified as a Variant of Uncertain Significance. Algorithms developed to predict the effect of missense changes on protein structure and function are either unavailable or do not agree on the potential impact of this missense change (SIFT: "Deleterious"; PolyPhen-2: "Not Available"; Align-GVGD: "Class C0"). ClinVar contains an entry for this variant (Variation ID: 1362357). This variant has not been reported in the literature in individuals affected with AEBP1-related conditions. This variant is present in population databases (no rsID available, gnomAD 0.0009%). This sequence change replaces glutamine, which is neutral and polar, with histidine, which is basic and polar, at codon 1120 of the AEBP1 protein (p.Gln1120His).

NM_001129.5(AEBP1):c.3360G>C (p.Gln1120His)

Gene: AEBP1 (AE binding protein 1; plus strand). Cytogenetic location: 7p13.
Variant type: single nucleotide variant.
Coding change: c.3360G>C on transcript NM_001129.5 (MANE Select); coding-DNA position 3360, G replaced by C.
Protein change: p.Gln1120His; replaces glutamine 1120 with histidine.
Molecular consequence: missense variant.
Genome position (GRCh38, 1-based): chr7:44,114,144, G>C. VCF-style: chr7-44114144-G-C. GRCh37 (hg19) VCF-style: chr7-44153743-G-C.
Other names: short protein forms Q1120H.
Identifiers: ClinVar variation 1362357 (VCV001362357.5), dbSNP rs1477687406, ClinGen allele CA367375864.